The following is an entry in ClinVar:

ClinVar aggregate classification (germline): Uncertain significance (1 of 4 stars; one submission).

Submission:

GeneDx
Classification: Uncertain significance. Last evaluated: 2026-04-21. Review status: criteria provided, single submitter. Criteria: GeneDx Variant Classification Process June 2021. Collection method: clinical testing. Allele origin: germline.
Comment: Not observed at significant frequency in large population cohorts (gnomAD); In silico analysis suggests that this missense variant does not alter protein structure/function; Has not been previously published as pathogenic or benign to our knowledge

NM_001079843.3(CASZ1):c.4904C>A (p.Ala1635Glu)

Gene: CASZ1 (castor zinc finger 1; minus strand). Cytogenetic location: 1p36.22.
Variant type: single nucleotide variant.
Coding change: c.4904C>A on transcript NM_001079843.3 (MANE Select); coding-DNA position 4904, C replaced by A.
Protein change: p.Ala1635Glu; replaces alanine 1635 with glutamic acid.
Molecular consequence: missense variant.
Genome position (GRCh38, 1-based): chr1:10,639,318, G>T on the plus strand (C>A on the coding strand, the complement: CASZ1 is on the minus strand). VCF-style: chr1-10639318-G-T. GRCh37 (hg19) VCF-style: chr1-10699375-G-T.
Other names: short protein forms A1635E.
Identifiers: ClinVar variation 5037507 (VCV005037507.1).